The following is an entry in ClinVar:

ClinVar aggregate classification (germline): Uncertain significance (1 of 4 stars; one submission).

Conditions:
Cardiovascular phenotype. Identifiers: MedGen CN230736.

Submission:

Ambry Genetics
Classification: Uncertain significance for Cardiovascular phenotype. Last evaluated: 2025-04-05. Review status: criteria provided, single submitter. Criteria: Ambry Variant Classification Scheme 2023. Collection method: clinical testing. Allele origin: germline.
Comment: The p.H3662L variant (also known as c.10985A>T), located in coding exon 41 of the ANK2 gene, results from an A to T substitution at nucleotide position 10985. The histidine at codon 3662 is replaced by leucine, an amino acid with similar properties. This amino acid position is conserved. In addition, the in silico prediction for this alteration is inconclusive. Based on the available evidence, the clinical significance of this variant remains unclear.

NM_001148.6(ANK2):c.10985A>T (p.His3662Leu)

Gene: ANK2 (ankyrin 2; plus strand). Cytogenetic location: 4q26.
Variant type: single nucleotide variant.
Coding change: c.10985A>T on transcript NM_001148.6 (MANE Select); coding-DNA position 10985, A replaced by T.
Protein change: p.His3662Leu; replaces histidine 3662 with leucine.
Molecular consequence: missense variant.
Genome position (GRCh38, 1-based): chr4:113,365,135, A>T. VCF-style: chr4-113365135-A-T. GRCh37 (hg19) VCF-style: chr4-114286291-A-T.
Other names: c.4703A>T, p.His1568Leu (NM_001127493.3); c.4742A>T, p.His1581Leu (NM_001354225.2); c.4631A>T, p.His1544Leu (NM_001354228.2, NM_001354258.2); c.4709A>T, p.His1570Leu (NM_001354230.2); c.4772A>T, p.His1591Leu (NM_001354231.2, NM_001354242.2); c.4766A>T, p.His1589Leu (NM_001354232.2); c.4727A>T, p.His1576Leu (NM_001354235.2, NM_001354246.2, NM_001354265.2); c.4628A>T, p.His1543Leu (NM_001354236.2); and 35 more; short protein forms H1416L, H1449L, H1477L, H1482L, H1499L, H1506L, H1522L, H1534L.
Identifiers: ClinVar variation 4050907 (VCV004050907.1).